The following is an entry in ClinVar:

NM_182961.4(SYNE1):c.8844C>T (p.Val2948=)

Genes: SYNE1 (spectrin repeat containing nuclear envelope protein 1; minus strand), SYNE1-AS1 (SYNE1 antisense RNA 1; plus strand). Cytogenetic location: 6q25.2.
Variant type: single nucleotide variant.
Coding change: c.8844C>T on transcript NM_182961.4 (MANE Select); coding-DNA position 8844, C replaced by T.
Protein change: p.Val2948=; no amino-acid change (valine 2948 retained).
Molecular consequence: synonymous variant. On other transcripts: non-coding transcript variant (1).
Genome position (GRCh38, 1-based): chr6:152,381,171, G>A on the plus strand (C>T on the coding strand, the complement: SYNE1 is on the minus strand). VCF-style: chr6-152381171-G-A. GRCh37 (hg19) VCF-style: chr6-152702306-G-A.
Other names: c.8865C>T, p.Val2955= (NM_033071.5).
Identifiers: ClinVar variation 586746 (VCV000586746.12), dbSNP rs750603610, ClinGen allele CA150231634.

ClinVar aggregate classification (germline): Likely benign. Review status: criteria provided, multiple submitters, no conflicts (2 of 4 stars). 3 submissions from 3 submitters: Likely benign (3). Last evaluated 2025-09-18.

Conditions:
SYNE1-related disorder. Also called: SYNE1-related disease; SYNE1-related condition; SYNE1-related disorders.
Emery-Dreifuss muscular dystrophy 4, autosomal dominant (EDMD4). Also called: EMERY-DREIFUSS MUSCULAR DYSTROPHY 4 WITH VARIABLE FEATURES. Identifiers: Orphanet 261, MedGen C2751807, MONDO:0013071, OMIM 612998.
Autosomal recessive ataxia, Beauce type. Also called: SYNE1 Deficiency; ATAXIA, RECESSIVE, OF BEAUCE; Spinocerebellar ataxia, autosomal recessive 8; SYNE1-Related Autosomal Recessive Cerebellar Ataxia. Identifiers: Orphanet 88644, MedGen C1853116, MONDO:0012549, OMIM 610743.

Allele frequency attached by ClinVar (database versions not stated): gnomAD 0.00001 and 0.00002; gnomAD exomes 0.00002 and 0.00009; TOPMed 0.00002.
gnomAD v4.1: 127 of 1,614,094 alleles (0.0079%); highest among the groups gnomAD compares: Non-Finnish European, 0.01%; no homozygotes.

Submissions (3):

PreventionGenetics, part of Exact Sciences
Classification: Likely benign for SYNE1-related condition. Last evaluated: 2025-09-18. Review status: criteria provided, single submitter. Criteria: ACMG Guidelines, 2015. Collection method: clinical testing. Allele origin: germline.
Comment: This variant is classified as likely benign based on ACMG/AMP sequence variant interpretation guidelines (Richards et al. 2015 PMID: 25741868, with internal and published modifications).

Athena Diagnostics
Classification: Likely benign. Last evaluated: 2024-04-22. Review status: criteria provided, single submitter. Criteria: Athena Diagnostics Criteria. Collection method: clinical testing. Allele origin: unknown.

Labcorp Genetics (formerly Invitae), Labcorp
Classification: Likely benign for Emery-Dreifuss muscular dystrophy 4, autosomal dominant; Autosomal recessive ataxia, Beauce type. Last evaluated: 2023-10-11. Review status: criteria provided, single submitter. Criteria: Invitae Variant Classification Sherloc (09022015). Collection method: clinical testing. Allele origin: germline.